The following is an entry in ClinVar:

ClinVar aggregate classification (germline): Uncertain significance (1 of 4 stars; one submission).

Conditions:
Hereditary cancer-predisposing syndrome. Also called: Neoplastic Syndromes, Hereditary; Tumor predisposition; Hereditary Cancer Syndrome; Hereditary neoplastic syndrome. Identifiers: Orphanet 140162, MedGen C0027672, MeSH D009386, MONDO:0015356.

Submission:

Ambry Genetics
Classification: Uncertain significance for Hereditary cancer-predisposing syndrome. Last evaluated: 2021-04-23. Review status: criteria provided, single submitter. Criteria: Ambry Variant Classification Scheme 2023. Collection method: clinical testing. Allele origin: germline.
Comment: The p.K688E variant (also known as c.2062A>G), located in coding exon 13 of the SMARCA4 gene, results from an A to G substitution at nucleotide position 2062. The lysine at codon 688 is replaced by glutamic acid, an amino acid with similar properties. This amino acid position is highly conserved in available vertebrate species. In addition, the in silico prediction for this alteration is inconclusive. Missense and in-frame variants in SMARCA4 are known to cause neurodevelopmental disorders; however, such associations with rhabdoid tumor predisposition syndrome including small cell carcinoma of the ovary-hypercalcemic type (SCCOHT) are exceedingly rare (Kosho T et al. Am J Med Genet C Semin Med Genet. 2014 Sep;166C(3):262-75; Jelinic P et al. Nat Genet. 2014 May;46(5):424-6). Since supporting evidence is limited at this time, the clinical significance of this alteration remains unclear.

NM_003072.5(SMARCA4):c.2062A>G (p.Lys688Glu)

Gene: SMARCA4 (SWI/SNF related BAF chromatin remodeling complex subunit ATPase 4; plus strand). Cytogenetic location: 19p13.2.
Variant type: single nucleotide variant.
Coding change: c.2062A>G on transcript NM_003072.5 (MANE Select); coding-DNA position 2062, A replaced by G.
Protein change: p.Lys688Glu; replaces lysine 688 with glutamic acid.
Molecular consequence: missense variant. On other transcripts: non-coding transcript variant (1).
Genome position (GRCh38, 1-based): chr19:11,007,962, A>G. VCF-style: chr19-11007962-A-G. GRCh37 (hg19) VCF-style: chr19-11118638-A-G.
Other names: c.2062A>G, p.Lys688Glu (NM_001128844.3, NM_001128845.2, NM_001128846.2 and 6 more transcripts); short protein forms K688E.
Identifiers: ClinVar variation 1785247 (VCV001785247.2), dbSNP rs2146192021, ClinGen allele CA404052490.